The following is an entry in ClinVar:

ClinVar aggregate classification (germline): Uncertain significance (1 of 4 stars; one submission).

Conditions:
Nemaline myopathy 2 (NEM2). Also called: Nemaline myopathy 2, autosomal recessive. Identifiers: MedGen C1850569, MONDO:0009725, OMIM 256030.

Submission:

Labcorp Genetics (formerly Invitae), Labcorp
Classification: Uncertain significance for Nemaline myopathy 2. Last evaluated: 2024-10-18. Review status: criteria provided, single submitter. Criteria: Invitae Variant Classification Sherloc (09022015). Collection method: clinical testing. Allele origin: germline.
Comment: This sequence change falls in intron 29 of the NEB gene. It does not directly change the encoded amino acid sequence of the NEB protein. It affects a nucleotide within the consensus splice site. This variant is not present in population databases (gnomAD no frequency). This variant has not been reported in the literature in individuals affected with NEB-related conditions. ClinVar contains an entry for this variant (Variation ID: 945696). Variants that disrupt the consensus splice site are a relatively common cause of aberrant splicing (PMID: 17576681, 9536098). Algorithms developed to predict the effect of sequence changes on RNA splicing suggest that this variant is not likely to affect RNA splicing. In summary, the available evidence is currently insufficient to determine the role of this variant in disease. Therefore, it has been classified as a Variant of Uncertain Significance.

Literature cited by the submitters: PubMed 17576681; PubMed 9536098.

NM_001164508.2(NEB):c.2943+5dup

Gene: NEB (nebulin; minus strand). Cytogenetic location: 2q23.3.
Variant type: Duplication.
Coding change: c.2943+5dup on transcript NM_001164508.2 (MANE Select); 5 bases into the intron after coding-DNA position 2943, one base duplicated (A; older notation c.2943+5dupA).
Molecular consequence: intron variant.
Genome position (GRCh38, 1-based): chr2:151,682,657, T duplicated on the plus strand (A on the coding strand, the reverse complement: NEB is on the minus strand); the first of 3 consecutive T bases (chr2:151,682,657-151,682,659); duplicating any one gives the same sequence. VCF-style (leftmost placement, unchanged base first): chr2-151682656-C-CT. GRCh37 (hg19) VCF-style: chr2-152539170-C-CT.
Other names: c.2943+5dup (NM_004543.5, NM_001164507.2, NM_001271208.2).
Identifiers: ClinVar variation 945696 (VCV000945696.9), dbSNP rs2099429370, ClinGen allele CA1139657257.